The following is an entry in ClinVar:

ClinVar aggregate classification (germline): Pathogenic (1 of 4 stars; one submission).

Conditions:
Hereditary breast ovarian cancer syndrome. Also called: Breast and ovarian cancer; Hereditary breast and/or ovarian cancer syndrome; Hereditary breast and ovarian cancer; Hereditary breast and ovarian cancer syndrome; Hereditary breast and ovarian cancer syndrome (HBOC); BRCA1- and BRCA2-Associated Hereditary Breast and Ovarian Cancer. Identifiers: Orphanet 145, MedGen C0677776, MeSH D061325, MONDO:0003582. Disease mechanism: loss of function.

Submission:

Labcorp Genetics (formerly Invitae), Labcorp
Classification: Pathogenic for Hereditary breast ovarian cancer syndrome. Last evaluated: 2025-06-30. Review status: criteria provided, single submitter. Criteria: Invitae Variant Classification Sherloc (09022015). Collection method: clinical testing. Allele origin: germline.
Comment: This sequence change creates a premature translational stop signal (p.His1350Ilefs*24) in the BRCA2 gene. It is expected to result in an absent or disrupted protein product. Loss-of-function variants in BRCA2 are known to be pathogenic (PMID: 20104584). This variant is not present in population databases (gnomAD no frequency). This premature translational stop signal has been observed in individual(s) with breast cancer (PMID: 29093764). For these reasons, this variant has been classified as Pathogenic.

Literature cited by the submitters: PubMed 20104584; PubMed 29093764.

NM_000059.4(BRCA2):c.4047del (p.His1350fs)

Gene: BRCA2 (BRCA2 DNA repair associated; plus strand). Cytogenetic location: 13q13.1.
Variant type: Deletion.
Coding change: c.4047del on transcript NM_000059.4 (MANE Select); coding-DNA position 4047, one base deleted (T; older notation c.4047delT).
Protein change: p.His1350fs; shifts the reading frame from histidine 1350.
Molecular consequence: frameshift variant.
Genome position (GRCh38, 1-based): chr13:32,338,402, T deleted; the last of 2 consecutive T bases (chr13:32,338,401-32,338,402); deleting either gives the same sequence. VCF-style (leftmost placement, unchanged base first): chr13-32338400-AT-A. GRCh37 (hg19) VCF-style: chr13-32912537-AT-A.
Other names: short protein forms H1350fs.
Identifiers: ClinVar variation 4739099 (VCV004739099.1).